The following is an entry in ClinVar:

NM_001273.5(CHD4):c.1913T>A (p.Val638Asp)

Gene: CHD4 (chromodomain helicase DNA binding protein 4; minus strand). Cytogenetic location: 12p13.31.
Variant type: single nucleotide variant.
Coding change: c.1913T>A on transcript NM_001273.5 (MANE Select); coding-DNA position 1913, T replaced by A.
Protein change: p.Val638Asp; replaces valine 638 with aspartic acid.
Molecular consequence: missense variant.
Genome position (GRCh38, 1-based): chr12:6,596,117, A>T on the plus strand (T>A on the coding strand, the complement: CHD4 is on the minus strand). VCF-style: chr12-6596117-A-T. GRCh37 (hg19) VCF-style: chr12-6705283-A-T.
Other names: c.1892T>A, p.Val631Asp (NM_001297553.2); c.1874T>A, p.Val625Asp (NM_001363606.2); short protein forms V625D, V631D, V638D.
Identifiers: ClinVar variation 4532472 (VCV004532472.1).

ClinVar aggregate classification (germline): Uncertain significance (1 of 4 stars; one submission).

Submission:

GeneDx
Classification: Uncertain significance. Last evaluated: 2025-05-27. Review status: criteria provided, single submitter. Criteria: GeneDx Variant Classification Process June 2021. Collection method: clinical testing. Allele origin: germline. Affected: yes.
Comment: Not observed at significant frequency in large population cohorts (gnomAD); In silico analysis supports that this missense variant has a deleterious effect on protein structure/function; Has not been previously published as pathogenic or benign to our knowledge